The following is an entry in ClinVar:

ClinVar aggregate classification (germline): Likely pathogenic (1 of 4 stars; one submission).

Conditions:
Dilated cardiomyopathy 1G (CMD1G). Identifiers: Orphanet 154, MedGen C1858763, MONDO:0011400, OMIM 604145.
Autosomal recessive limb-girdle muscular dystrophy type 2J (LGMDR10). Also called: Limb-girdle muscular dystrophy, type 2J; MUSCULAR DYSTROPHY, LIMB-GIRDLE, AUTOSOMAL RECESSIVE 10. Identifiers: Orphanet 140922, MedGen C1837342, MONDO:0012127, OMIM 608807.

Submission:

Labcorp Genetics (formerly Invitae), Labcorp
Classification: Likely pathogenic for Dilated cardiomyopathy 1G; Autosomal recessive limb-girdle muscular dystrophy type 2J. Last evaluated: 2024-10-18. Review status: criteria provided, single submitter. Criteria: Invitae Variant Classification Sherloc (09022015). Collection method: clinical testing. Allele origin: germline.
Comment: This sequence change creates a premature translational stop signal (p.Ile7304Metfs*17) in the TTN gene. While this is not anticipated to result in nonsense mediated decay, it is expected to create a truncated TTN protein. This variant is not present in population databases (gnomAD no frequency). This variant has not been reported in the literature in individuals affected with TTN-related conditions. ClinVar contains an entry for this variant (Variation ID: 855544). This variant is located in the I band of TTN (PMID: 25589632). Truncating variants in this region have been reported in individuals affected with autosomal recessive centronuclear myopathy (PMID: 23975875, internal data). Truncating variants in this region have also been identified in individuals affected with autosomal dominant dilated cardiomyopathy and/or cardio-related conditions (PMID: 27869827, 32964742, internal data). In summary, the currently available evidence indicates that the variant is pathogenic, but additional data are needed to prove that conclusively. Therefore, this variant has been classified as Likely Pathogenic.

Literature cited by the submitters: PubMed 25589632; PubMed 23975875; PubMed 27869827; PubMed 32964742.

NM_001267550.2(TTN):c.21912del (p.Ile7304fs)

Gene: TTN (titin; minus strand). Cytogenetic location: 2q31.2.
Variant type: Deletion.
Coding change: c.21912del on transcript NM_001267550.2 (MANE Select); coding-DNA position 21912, one base deleted (T; older notation c.21912delT).
Protein change: p.Ile7304fs; shifts the reading frame from isoleucine 7304.
Molecular consequence: frameshift variant. On other transcripts: intron variant (3).
Genome position (GRCh38, 1-based): chr2:178,723,095, A deleted on the plus strand (T on the coding strand, the reverse complement: TTN is on the minus strand); the first of 2 consecutive A bases (chr2:178,723,095-178,723,096); deleting either gives the same sequence. VCF-style (leftmost placement, unchanged base first): chr2-178723094-CA-C. GRCh37 (hg19) VCF-style: chr2-179587821-CA-C.
Other names: c.20961del, p.Ile6987fs (NM_001256850.1); c.18180del, p.Ile6060fs (NM_133378.4); c.13282+14987del (NM_003319.4); c.13858+14987del (NM_133437.4); c.13657+14987del (NM_133432.3); short protein forms I6987fs, I6060fs, I7304fs.
Identifiers: ClinVar variation 855544 (VCV000855544.10), dbSNP rs2078700148, ClinGen allele CA916081375.